The following is an entry in ClinVar:

NM_003924.4(PHOX2B):c.593C>A (p.Pro198Gln)

Gene: PHOX2B (paired like homeobox 2B; minus strand). Cytogenetic location: 4p13.
Variant type: single nucleotide variant.
Coding change: c.593C>A on transcript NM_003924.4 (MANE Select); coding-DNA position 593, C replaced by A.
Protein change: p.Pro198Gln; replaces proline 198 with glutamine.
Molecular consequence: missense variant.
Genome position (GRCh38, 1-based): chr4:41,746,159, G>T on the plus strand (C>A on the coding strand, the complement: PHOX2B is on the minus strand). VCF-style: chr4-41746159-G-T. GRCh37 (hg19) VCF-style: chr4-41748176-G-T.
Other names: short protein forms P198Q.
Identifiers: ClinVar variation 2829387 (VCV002829387.4), dbSNP rs2552096868, ClinGen allele CA356737836.
Genomic context (GRCh38, chr4:41,746,159, plus strand): 5'-GGCCCGCCGCCGCCGCCTCCATTCGCCCCGCAGCTGGGGGTGGGGTTGGGATTGGGACCT[G>T]GGCCCCCAGTGCTGTCCGGGTCAGTGCTCTTGGCCTCTTTGCTCTCGTCGTCCCTGGAAG-3'
Protein context (NP_003915.2, residues 188-208): KSTDPDSTGG[Pro198Gln]GPNPNPTPSC

ClinVar aggregate classification (germline): Uncertain significance. Review status: criteria provided, multiple submitters, no conflicts (2 of 4 stars). 2 submissions from 2 submitters: Uncertain significance (2). Last evaluated 2025-03-31.

Conditions:
Hereditary cancer-predisposing syndrome. Also called: Neoplastic Syndromes, Hereditary; Tumor predisposition; Hereditary Cancer Syndrome; Hereditary neoplastic syndrome. Identifiers: Orphanet 140162, MedGen C0027672, MeSH D009386, MONDO:0015356.
Haddad syndrome (OHD). Also called: Ondine-Hirschsprung disease. Identifiers: Orphanet 99803, MedGen C1859049, MONDO:0020493.

Submissions (2):

Ambry Genetics
Classification: Uncertain significance for Hereditary cancer-predisposing syndrome. Last evaluated: 2025-03-31. Review status: criteria provided, single submitter. Criteria: Ambry Variant Classification Scheme 2023. Collection method: clinical testing. Allele origin: germline.
Comment: The p.P198Q variant (also known as c.593C>A), located in coding exon 3 of the PHOX2B gene, results from a C to A substitution at nucleotide position 593. The proline at codon 198 is replaced by glutamine, an amino acid with similar properties. This amino acid position is conserved. In addition, this alteration is predicted to be tolerated by in silico analysis. Based on the available evidence, the clinical significance of this variant remains unclear.

Labcorp Genetics (formerly Invitae), Labcorp
Classification: Uncertain significance for Haddad syndrome. Last evaluated: 2023-01-17. Review status: criteria provided, single submitter. Criteria: Invitae Variant Classification Sherloc (09022015). Collection method: clinical testing. Allele origin: germline.
Comment: This sequence change replaces proline, which is neutral and non-polar, with glutamine, which is neutral and polar, at codon 198 of the PHOX2B protein (p.Pro198Gln). This variant is not present in population databases (gnomAD no frequency). In summary, the available evidence is currently insufficient to determine the role of this variant in disease. Therefore, it has been classified as a Variant of Uncertain Significance. Advanced modeling of protein sequence and biophysical properties (such as structural, functional, and spatial information, amino acid conservation, physicochemical variation, residue mobility, and thermodynamic stability) performed at Invitae indicates that this missense variant is not expected to disrupt PHOX2B protein function. This variant has not been reported in the literature in individuals affected with PHOX2B-related conditions.